The following is an entry in ClinVar:

NM_005591.4(MRE11):c.402G>A (p.Gly134=)

Gene: MRE11 (MRE11 double strand break repair nuclease; minus strand). Cytogenetic location: 11q21.
Variant type: single nucleotide variant.
Coding change: c.402G>A on transcript NM_005591.4 (MANE Select); coding-DNA position 402, G replaced by A.
Protein change: p.Gly134=; no amino-acid change (glycine 134 retained).
Molecular consequence: synonymous variant.
Genome position (GRCh38, 1-based): chr11:94,479,674, C>T on the plus strand (G>A on the coding strand, the complement: MRE11 is on the minus strand). VCF-style: chr11-94479674-C-T. GRCh37 (hg19) VCF-style: chr11-94212840-C-T.
Other names: c.402G>A, p.Gly134= (NM_001330347.2, NM_005590.4).
Identifiers: ClinVar variation 481743 (VCV000481743.5), dbSNP rs587782669, ClinGen allele CA476286983.
Genomic context (GRCh38, chr11:94,479,674, plus strand): 5'-CAGACAAACTAAACTGATCATTTCCAAAATTCCAACAAACTCTAAGAAAACAATAATTAC[C>T]CCTGTGGGATCGTCATGATTGCCATGAATACTAAACACTGGAATTGAAATGTTGAGGTTG-3'
Protein context (NP_005582.1, residues 124-144): SIHGNHDDPT[Gly134=]ADALCALDIL

ClinVar aggregate classification (germline): Uncertain significance (1 of 4 stars; one submission).

Conditions:
Hereditary cancer-predisposing syndrome. Also called: Neoplastic Syndromes, Hereditary; Tumor predisposition; Hereditary Cancer Syndrome; Hereditary neoplastic syndrome. Identifiers: Orphanet 140162, MedGen C0027672, MeSH D009386, MONDO:0015356.

gnomAD v4.1: 1 of 1,610,552 alleles (0.000062%); highest among the groups gnomAD compares: Non-Finnish European, 0.000085%; no homozygotes.

Submission:

Ambry Genetics
Classification: Uncertain significance for Hereditary cancer-predisposing syndrome. Last evaluated: 2016-06-06. Review status: criteria provided, single submitter. Criteria: Ambry Variant Classification Scheme 2023. Collection method: clinical testing. Allele origin: germline.
Comment: The c.402G>A variant (also known as p.G134G), located in coding exon 4 of the MRE11A gene, results from a G to A substitution at nucleotide position 402. This nucleotide substitution does not change the at codon 134. However, this change occurs in the last base pair of coding exon 4, which makes it likely to have some effect on normal mRNA splicing. This variant was not reported in population based cohorts in the following databases: Database of Single Nucleotide Polymorphisms (dbSNP), NHLBI Exome Sequencing Project (ESP), and 1000 Genomes Project. In the ESP, this variant was not observed in 6499 samples (12998 alleles) with coverage at this position. To date, this alteration has been detected with an allele frequency of approximately 0.001% (greater than 175000 alleles tested) in our clinical cohort. This nucleotide position is highly conserved in available vertebrate species. Using the BDGP and ESEfinder splice site prediction tools, this alteration is predicted to weaken the efficiency of the native splice donor site; however, direct evidence is unavailable. Since supporting evidence is limited at this time, the clinical significance of c.402G>A remains unclear.